The following continues an entry in ClinVar:

NM_000303.3(PMM2):c.710C>G (p.Thr237Arg)

Gene: PMM2. ClinVar aggregate classification (germline): Pathogenic/Likely pathogenic. Pathogenic (18); Likely pathogenic (2).

Submissions 15 to 23 of 23:

Illumina Laboratory Services, Illumina
Classification: Pathogenic for PMM2-congenital disorder of glycosylation. Last evaluated: 2017-04-27. Review status: criteria provided, single submitter. Criteria: ICSL Variant Classification Criteria 09 May 2019. Collection method: clinical testing. Allele origin: germline.
Comment: The PMM2 c.710C>G (p.Thr237Arg) missense variant has been reported in at least six studies in which it is found in a total of nine patients with congenital disorders of glycosylation type 1a, all of whom were in a compound heterozygous state with either one or two other missense variants (Matthijs et al. 1998; Kjaergaard et al. 1999; GrÃ¼newald et al. 2001; Aronica et al. 2005; Le Bizec et al. 2005; GarcÃ­a-LÃ³pez et al. 2016). Control data are unavailable for this variant, which is reported at a frequency of 0.00027 in the European (non-Finnish) population of the Exome Aggregation Consortium. Functional studies in E.coli showed that the variant protein was produced in similar quantities compared to wild type and was present in the same subcellular fraction but had no detectable catalytic activity (Kjaergaard et al. 1999). Based on the collective evidence, the p.Thr237Arg variant is classified as pathogenic for congenital disorders of glycosylation type 1a. This variant was observed by ICSL as part of a predisposition screen in an ostensibly healthy population.

Women's Health and Genetics/Laboratory Corporation of America, LabCorp
Classification: Pathogenic for PMM2-congenital disorder of glycosylation. Last evaluated: 2016-09-09. Review status: criteria provided, single submitter. Criteria: LabCorp Variant Classification Summary - May 2015. Collection method: clinical testing. Allele origin: germline.
Comment: Variant summary: The PMM2 c.710C>G (p.Thr237Arg) variant causes a missense change involving a conserved nucleotide with 5/5 in silico tools predicting a "damaging" outcome, which PMM2 activity detection levels support this. The variant of interest was observed in the large, broad control population, ExAC, with an allele frequency of 18/120616 (1/6702), which does not exceed the estimated maximal expected allele frequency for a pathogenic PMM2 variant of 1/178. Multiple publications report the variant in compound heterozygote and homozygote affected individuals. In addition, multiple reputable databases and clinical diagnostic laboratories cite the variant as "pathogenic." Therefore, the variant of interest has been classified as "pathogenic."

Centre for Mendelian Genomics, University Medical Centre Ljubljana
Classification: Pathogenic for PMM2-congenital disorder of glycosylation. Last evaluated: 2016-01-01. Review status: criteria provided, single submitter. Criteria: ACMG Guidelines, 2015. Collection method: clinical testing. Allele origin: unknown. Affected: yes.
Comment: This variant was classified as: Pathogenic. The following ACMG criteria were applied in classifying this variant: PS1,PS3,PP3,PP5.

Eurofins Ntd Llc (ga)
Classification: Pathogenic. Last evaluated: 2013-04-03. Review status: criteria provided, single submitter. Criteria: EGL Classification Definitions. Collection method: clinical testing. Allele origin: germline. Observed: 7 variant alleles, 7 heterozygotes.

3billion
Classification: Pathogenic for PMM2-congenital disorder of glycosylation. Review status: criteria provided, single submitter. Criteria: ACMG Guidelines, 2015. Collection method: clinical testing. Allele origin: unknown. Affected: yes. Observed: 1 heterozygote.
Comment: The variant is observed at an extremely low frequency in the gnomAD v2.1.1 dataset (total allele frequency: 0.014%). Functional studies provide strong evidence of the variant having a damaging effect on the gene or gene product (PMID: 10602363). In silico tool predictions suggest damaging effect of the variant on gene or gene product (REVEL: 0.98; 3Cnet: 0.92). Same nucleotide change resulting in same amino acid change has been previously reported as pathogenic/likely pathogenic with strong evidence (ClinVar ID: VCV000007716 / PMID: 9497260). Different missense changes at the same codon (p.Thr237Lys, p.Thr237Met) have been reported as pathogenic/likely pathogenic with strong evidence (ClinVar ID: VCV000021145 / PMID: 28139241, 9140401). Therefore, this variant is classified as Pathogenic according to the recommendation of ACMG/AMP guideline.

Pediatric Metabolic Diseases, Hacettepe University
Classification: Pathogenic for PMM2-congenital disorder of glycosylation. Review status: criteria provided, single submitter. Criteria: International clinical guidelines for PMM2-CDG, 2019. Collection method: clinical testing. Allele origin: germline.

OMIM
Classification: Pathogenic for CONGENITAL DISORDER OF GLYCOSYLATION, TYPE Ia. Last evaluated: 1999-12-01. Review status: no assertion criteria provided. Collection method: literature only. Allele origin: germline. Not counted in ClinVar's aggregate classification.

Clinical Genetics, Academic Medical Center
Classification: Pathogenic. Review status: no assertion criteria provided. Collection method: clinical testing. Allele origin: germline. Affected: yes. Study: VKGL Data-share Consensus. Not counted in ClinVar's aggregate classification.

Genome Diagnostics Laboratory, University Medical Center Utrecht
Classification: Likely pathogenic. Review status: no assertion criteria provided. Collection method: clinical testing. Allele origin: germline. Affected: yes. Study: VKGL Data-share Consensus. Not counted in ClinVar's aggregate classification.

Literature cited by the submitters: PubMed 9497260 (cited by 5 submitters); PubMed 10602363 (cited by 6 submitters); PubMed 15714316 (cited by Labcorp Genetics (formerly Invitae), Labcorp and Illumina Laboratory Services, Illumina); PubMed 25355454 (cited by 4 submitters); PubMed 25497157 (cited by Labcorp Genetics (formerly Invitae), Labcorp and Ambry Genetics); PubMed 11156536 (cited by Labcorp Genetics (formerly Invitae), Labcorp and Illumina Laboratory Services, Illumina); PubMed 11589167 (cited by Labcorp Genetics (formerly Invitae), Labcorp); PubMed 11891694 (cited by Labcorp Genetics (formerly Invitae), Labcorp); PubMed 15844218 (cited by 4 submitters); PubMed 35279850 (cited by Center for Genomic Medicine, Rigshospitalet, Copenhagen University Hospital); PubMed 11058895 (cited by Center for Genomic Medicine, Rigshospitalet, Copenhagen University Hospital and Myriad Genetics, Inc.); PubMed 9140401 (cited by Ambry Genetics and 3billion); PubMed 21541725 (cited by Ambry Genetics); PubMed 27415628 (cited by Ambry Genetics and Illumina Laboratory Services, Illumina); PubMed 33532864 (cited by Molecular Biology Laboratory, Fundació Puigvert); PubMed 17920054 (cited by Myriad Genetics, Inc.); PubMed 28139241 (cited by 3billion).